The following is an entry in ClinVar:

ClinVar aggregate classification (germline): Benign/Likely benign. Review status: criteria provided, multiple submitters, no conflicts (2 of 4 stars). 3 submissions from 3 submitters: Benign (1); Likely benign (2). Last evaluated 2025-10-25.

Conditions:
Hereditary leiomyomatosis and renal cell cancer. Also called: MULTIPLE CUTANEOUS AND UTERINE LEIOMYOMATA 1, WITH OR WITHOUT RENAL CELL CARCINOMA; LEIOMYOMA, MULTIPLE CUTANEOUS; Familial leiomyomatosis; FH tumor predisposition syndrome; Reed syndrome; Multiple cutaneous and uterine leiomyomatosis. Identifiers: Orphanet 523, MedGen C1708350, MONDO:0007888, OMIM 150800, HP:0007437. Disease mechanism: loss of function.
Hereditary cancer-predisposing syndrome. Also called: Tumor predisposition; Hereditary Cancer Syndrome; Hereditary neoplastic syndrome; Neoplastic Syndromes, Hereditary. Identifiers: Orphanet 140162, MedGen C0027672, MeSH D009386, MONDO:0015356.

Allele frequency attached by ClinVar (database versions not stated): gnomAD exomes below 0.00001; ExAC 0.00001; gnomAD 0.00003 and 0.00004.
gnomAD v4.1: 7 of 1,613,840 alleles (0.00043%); highest among the groups gnomAD compares: African/African-American, 0.008%; no homozygotes.

Submissions (3):

Labcorp Genetics (formerly Invitae), Labcorp
Classification: Likely benign. Last evaluated: 2025-10-25. Review status: criteria provided, single submitter. Criteria: Invitae Variant Classification Sherloc (09022015). Collection method: clinical testing. Allele origin: germline.

Myriad Genetics, Inc.
Classification: Benign for Hereditary leiomyomatosis and renal cell cancer. Last evaluated: 2024-10-18. Review status: criteria provided, single submitter. Criteria: Myriad Autosomal Dominant, Autosomal Recessive and X-Linked Classification Criteria (2023). Collection method: clinical testing. Allele origin: unknown.
Comment: This variant is considered benign. This variant is a silent/synonymous amino acid change and it is not expected to impact splicing.

Ambry Genetics
Classification: Likely benign for Hereditary cancer-predisposing syndrome. Last evaluated: 2020-02-04. Review status: criteria provided, single submitter. Criteria: Ambry Variant Classification Scheme 2023. Collection method: clinical testing. Allele origin: germline.

NM_000143.4(FH):c.435A>G (p.Ser145=)

Gene: FH (fumarate hydratase; minus strand). Cytogenetic location: 1q43.
Variant type: single nucleotide variant.
Coding change: c.435A>G on transcript NM_000143.4 (MANE Select); coding-DNA position 435, A replaced by G.
Protein change: p.Ser145=; no amino-acid change (serine 145 retained).
Molecular consequence: synonymous variant.
Genome position (GRCh38, 1-based): chr1:241,512,087, T>C on the plus strand (A>G on the coding strand, the complement: FH is on the minus strand). VCF-style: chr1-241512087-T-C. GRCh37 (hg19) VCF-style: chr1-241675387-T-C.
Identifiers: ClinVar variation 1158772 (VCV001158772.12), dbSNP rs771373271, ClinGen allele CA1478679.